The following is an entry in ClinVar:

NM_015164.4(PLEKHM2):c.1136C>T (p.Pro379Leu)

Gene: PLEKHM2 (pleckstrin homology and RUN domain containing M2; plus strand). Cytogenetic location: 1p36.21.
Variant type: single nucleotide variant.
Coding change: c.1136C>T on transcript NM_015164.4 (MANE Select); coding-DNA position 1136, C replaced by T.
Protein change: p.Pro379Leu; replaces proline 379 with leucine.
Molecular consequence: missense variant.
Genome position (GRCh38, 1-based): chr1:15,727,208, C>T. VCF-style: chr1-15727208-C-T. GRCh37 (hg19) VCF-style: chr1-16053703-C-T.
Other names: c.1076C>T, p.Pro359Leu (NM_001410755.1); short protein forms P359L, P379L.
Identifiers: ClinVar variation 2077127 (VCV002077127.4), dbSNP rs775719327, ClinGen allele CA616870.

ClinVar aggregate classification (germline): Uncertain significance (1 of 4 stars; one submission).

Allele frequency attached by ClinVar (database versions not stated): ExAC 0.00001; gnomAD 0.00001; gnomAD exomes 0.00001.
gnomAD v4.1: 18 of 1,606,302 alleles (0.0011%); highest among the groups gnomAD compares: South Asian, 0.0078%; no homozygotes.

Submission:

Labcorp Genetics (formerly Invitae), Labcorp
Classification: Uncertain significance. Last evaluated: 2025-12-08. Review status: criteria provided, single submitter. Criteria: Invitae Variant Classification Sherloc (09022015). Collection method: clinical testing. Allele origin: germline.
Comment: This sequence change replaces proline, which is neutral and non-polar, with leucine, which is neutral and non-polar, at codon 379 of the PLEKHM2 protein (p.Pro379Leu). This variant is present in population databases (rs775719327, gnomAD 0.01%). This variant has not been reported in the literature in individuals affected with PLEKHM2-related conditions. ClinVar contains an entry for this variant (Variation ID: 2077127). An algorithm developed to predict the effect of missense changes on protein structure and function (PolyPhen-2) suggests that this variant is likely to be tolerated. In summary, the available evidence is currently insufficient to determine the role of this variant in disease. Therefore, it has been classified as a Variant of Uncertain Significance.